The following is an entry in ClinVar:

NM_001166108.2(PALLD):c.1291C>A (p.Pro431Thr)

Gene: PALLD (palladin, cytoskeletal associated protein; plus strand). Cytogenetic location: 4q32.3.
Variant type: single nucleotide variant.
Coding change: c.1291C>A on transcript NM_001166108.2 (MANE Select); coding-DNA position 1291, C replaced by A.
Protein change: p.Pro431Thr; replaces proline 431 with threonine.
Molecular consequence: missense variant.
Genome position (GRCh38, 1-based): chr4:168,685,515, C>A. VCF-style: chr4-168685515-C-A. GRCh37 (hg19) VCF-style: chr4-169606666-C-A.
Other names: c.145C>A, p.Pro49Thr (NM_001166109.2); c.1291C>A, p.Pro431Thr (NM_016081.4); short protein forms P431T, P49T.
Identifiers: ClinVar variation 1769107 (VCV001769107.3), dbSNP rs1442316175, ClinGen allele CA358794437.

ClinVar aggregate classification (germline): Uncertain significance (1 of 4 stars; one submission).

Allele frequency attached by ClinVar (database versions not stated): gnomAD 0.00001; TOPMed 0.00001.

Submission:

Ambry Genetics
Classification: Uncertain significance. Last evaluated: 2024-06-04. Review status: criteria provided, single submitter. Criteria: Ambry Variant Classification Scheme 2023. Collection method: clinical testing. Allele origin: germline.
Comment: The p.P431T variant (also known as c.1291C>A), located in coding exon 5 of the PALLD gene, results from a C to A substitution at nucleotide position 1291. The proline at codon 431 is replaced by threonine, an amino acid with highly similar properties. This amino acid position is conserved. In addition, this alteration is predicted to be tolerated by in silico analysis. Since supporting evidence is limited at this time, the clinical significance of this alteration remains unclear.